The following is an entry in ClinVar:

ClinVar aggregate classification (germline): Uncertain significance (1 of 4 stars; one submission).

Submission:

Labcorp Genetics (formerly Invitae), Labcorp
Classification: Uncertain significance. Last evaluated: 2021-12-08. Review status: criteria provided, single submitter. Criteria: Invitae Variant Classification Sherloc (09022015). Collection method: clinical testing. Allele origin: germline.
Comment: This variant is not present in population databases (gnomAD no frequency). This variant, c.104_131delinsC, is a complex sequence change that results in the deletion of 10 and insertion of 1 amino acid(s) in the DLX6 protein (p.Gln35_Gln44delinsPro). This variant has not been reported in the literature in individuals affected with DLX6-related conditions. In summary, the available evidence is currently insufficient to determine the role of this variant in disease. Therefore, it has been classified as a Variant of Uncertain Significance. Experimental studies and prediction algorithms are not available or were not evaluated, and the functional significance of this variant is currently unknown.

NM_005222.4(DLX6):c.104_131delinsC (p.Gln35_Gln44delinsPro)

Genes: DLX6 (distal-less homeobox 6; plus strand), DLX6-AS1 (DLX6 antisense RNA 1; minus strand). Cytogenetic location: 7q21.3.
Variant type: Indel.
Coding change: c.104_131delinsC on transcript NM_005222.4 (MANE Select); coding-DNA positions 104 to 131, AGCAGCAGCAGCAGCAGCAACAGCAACA replaced by C.
Protein change: p.Gln35_Gln44delinsPro.
Molecular consequence: inframe indel.
Genome position (GRCh38, 1-based): chr7:97,006,081-97,006,108, AGCAGCAGCAGCAGCAGCAACAGCAACA replaced by C. VCF-style: chr7-97006081-AGCAGCAGCAGCAGCAGCAACAGCAACA-C. GRCh37 (hg19) VCF-style: chr7-96635393-AGCAGCAGCAGCAGCAGCAACAGCAACA-C.
Identifiers: ClinVar variation 1972465 (VCV001972465.5), dbSNP rs2485490280, ClinGen allele CA2580077918.